The following is an entry in ClinVar:

ClinVar aggregate classification (germline): Uncertain significance (1 of 4 stars; one submission).

gnomAD v4.1: 7 of 1,614,156 alleles (0.00043%); highest among the groups gnomAD compares: East Asian, 0.016%; no homozygotes.

Submission:

Ambry Genetics
Classification: Uncertain significance. Last evaluated: 2024-04-09. Review status: criteria provided, single submitter. Criteria: Ambry Variant Classification Scheme 2023. Collection method: clinical testing. Allele origin: germline.
Comment: The p.I1353L variant (also known as c.4057A>T), located in coding exon 16 of the POLQ gene, results from an A to T substitution at nucleotide position 4057. The isoleucine at codon 1353 is replaced by leucine, an amino acid with highly similar properties. This amino acid position is conserved. In addition, this alteration is predicted to be tolerated by in silico analysis. Since supporting evidence is limited at this time, the clinical significance of this alteration remains unclear.

NM_199420.4(POLQ):c.4057A>T (p.Ile1353Leu)

Gene: POLQ (DNA polymerase theta; minus strand). Cytogenetic location: 3q13.33.
Variant type: single nucleotide variant.
Coding change: c.4057A>T on transcript NM_199420.4 (MANE Select); coding-DNA position 4057, A replaced by T.
Protein change: p.Ile1353Leu; replaces isoleucine 1353 with leucine.
Molecular consequence: missense variant.
Genome position (GRCh38, 1-based): chr3:121,488,874, T>A on the plus strand (A>T on the coding strand, the complement: POLQ is on the minus strand). VCF-style: chr3-121488874-T-A. GRCh37 (hg19) VCF-style: chr3-121207721-T-A.
Other names: short protein forms I1353L.
Identifiers: ClinVar variation 1737419 (VCV001737419.3), dbSNP rs3218631, ClinGen allele CA2562965.